The following is an entry in ClinVar:

NM_001161352.2(KCNMA1):c.378+5C>A

Gene: KCNMA1 (potassium calcium-activated channel subfamily M alpha 1; minus strand). Cytogenetic location: 10q22.3.
Variant type: single nucleotide variant.
Coding change: c.378+5C>A on transcript NM_001161352.2 (MANE Select); 5 bases into the intron after coding-DNA position 378, C replaced by A.
Molecular consequence: intron variant.
Genome position (GRCh38, 1-based): chr10:77,637,260, G>T on the plus strand (C>A on the coding strand, the complement: KCNMA1 is on the minus strand). VCF-style: chr10-77637260-G-T. GRCh37 (hg19) VCF-style: chr10-79397018-G-T.
Other names: c.378+5C>A (NM_001271518.2, NM_001322832.2, NM_001322829.2 and 12 more transcripts).
Identifiers: ClinVar variation 1395191 (VCV001395191.26), dbSNP rs757766830, ClinGen allele CA594712682.

ClinVar aggregate classification (germline): Uncertain significance. Review status: criteria provided, multiple submitters, no conflicts (2 of 4 stars). 2 submissions from 2 submitters: Uncertain significance (2). Last evaluated 2025-09-14.

Conditions:
Generalized epilepsy-paroxysmal dyskinesia syndrome (PNKD3). Also called: Paroxysmal nonkinesigenic dyskinesia, 3, with or without generalized epilepsy; Generalized epilepsy and paroxysmal dyskinesia. Identifiers: Orphanet 79137, MedGen C5574945, MONDO:0012276, OMIM 609446.

Allele frequency attached by ClinVar (database versions not stated): TOPMed 0.00002.
gnomAD v4.1: 30 of 1,601,614 alleles (0.0019%); highest among the groups gnomAD compares: Non-Finnish European, 0.0026%; no homozygotes.

Submissions (2):

Labcorp Genetics (formerly Invitae), Labcorp
Classification: Uncertain significance for Generalized epilepsy-paroxysmal dyskinesia syndrome. Last evaluated: 2025-09-14. Review status: criteria provided, single submitter. Criteria: Invitae Variant Classification Sherloc (09022015). Collection method: clinical testing. Allele origin: germline.
Comment: This sequence change falls in intron 1 of the KCNMA1 gene. It does not directly change the encoded amino acid sequence of the KCNMA1 protein. It affects a nucleotide within the consensus splice site. This variant is present in population databases (no rsID available, gnomAD 0.002%). This variant has not been reported in the literature in individuals affected with KCNMA1-related conditions. ClinVar contains an entry for this variant (Variation ID: 1395191). Variants that disrupt the consensus splice site are a relatively common cause of aberrant splicing (PMID: 17576681, 9536098). Algorithms developed to predict the effect of sequence changes on RNA splicing suggest that this variant is not likely to affect RNA splicing. In summary, the available evidence is currently insufficient to determine the role of this variant in disease. Therefore, it has been classified as a Variant of Uncertain Significance.

CeGaT Center for Human Genetics Tuebingen
Classification: Uncertain significance. Last evaluated: 2024-03-01. Review status: criteria provided, single submitter. Criteria: CeGaT Center For Human Genetics Tuebingen Variant Classification Criteria Version 2. Collection method: clinical testing. Allele origin: germline. Affected: yes. Observed: 1 variant allele.
Comment: KCNMA1: PM2, BP4

Literature cited by the submitters: PubMed 17576681 (cited by Labcorp Genetics (formerly Invitae), Labcorp); PubMed 9536098 (cited by Labcorp Genetics (formerly Invitae), Labcorp).